The following is an entry in ClinVar:

ClinVar aggregate classification (germline): Pathogenic. Review status: reviewed by expert panel (3 of 4 stars). 3 submissions from 3 submitters: Pathogenic (1). 2 of the submissions do not count toward it. Last evaluated 2016-10-18.

Conditions:
Breast-ovarian cancer, familial, susceptibility to, 2 (BROVCA2). Also called: BRCA2 Hereditary Breast and Ovarian Cancer. Identifiers: Orphanet 145, MedGen C2675520, MONDO:0012933, OMIM 612555. Disease mechanism: loss of function.
Hereditary breast ovarian cancer syndrome. Also called: BRCA1- and BRCA2-Associated Hereditary Breast and Ovarian Cancer; Hereditary breast and ovarian cancer; Breast and ovarian cancer; Hereditary breast and/or ovarian cancer syndrome; Hereditary breast and ovarian cancer syndrome; Hereditary breast and ovarian cancer syndrome (HBOC). Identifiers: Orphanet 145, MedGen C0677776, MeSH D061325, MONDO:0003582. Disease mechanism: loss of function.

Submissions (3):

Evidence-based Network for the Interpretation of Germline Mutant Alleles (ENIGMA)
Classification: Pathogenic for Breast-ovarian cancer, familial, susceptibility to, 2. Last evaluated: 2016-10-18. Review status: reviewed by expert panel. Criteria: ENIGMA BRCA1/2 Classification Criteria (2015). Collection method: curation. Allele origin: germline.
Comment: Variant allele predicted to encode a truncated non-functional protein.

Labcorp Genetics (formerly Invitae), Labcorp
Classification: Pathogenic for Hereditary breast ovarian cancer syndrome. Last evaluated: 2023-02-09. Review status: criteria provided, single submitter. Criteria: Invitae Variant Classification Sherloc (09022015). Collection method: clinical testing. Allele origin: germline. Not counted in ClinVar's aggregate classification.
Comment: This sequence change creates a premature translational stop signal (p.Glu215*) in the BRCA2 gene. It is expected to result in an absent or disrupted protein product. Loss-of-function variants in BRCA2 are known to be pathogenic (PMID: 20104584). This variant is not present in population databases (gnomAD no frequency). This premature translational stop signal has been observed in individual(s) with personal and/or family history of breast and/or ovarian cancer (PMID: 29446198). ClinVar contains an entry for this variant (Variation ID: 266948). For these reasons, this variant has been classified as Pathogenic.

Consortium of Investigators of Modifiers of BRCA1/2 (CIMBA), c/o University of Cambridge
Classification: Pathogenic for Breast-ovarian cancer, familial, susceptibility to, 2. Last evaluated: 2015-10-02. Review status: criteria provided, single submitter. Criteria: CIMBA Mutation Classification guidelines May 2016. Collection method: clinical testing. Allele origin: germline. Not counted in ClinVar's aggregate classification.

Literature cited by the submitters: PubMed 20104584 (cited by Labcorp Genetics (formerly Invitae), Labcorp); PubMed 29446198 (cited by Labcorp Genetics (formerly Invitae), Labcorp).

NM_000059.4(BRCA2):c.643G>T (p.Glu215Ter)

Gene: BRCA2 (BRCA2 DNA repair associated; plus strand). Cytogenetic location: 13q13.1.
Variant type: single nucleotide variant.
Coding change: c.643G>T on transcript NM_000059.4 (MANE Select); coding-DNA position 643, G replaced by T.
Protein change: p.Glu215Ter; replaces glutamic acid 215 with a stop codon.
Molecular consequence: nonsense.
Genome position (GRCh38, 1-based): chr13:32,329,454, G>T. VCF-style: chr13-32329454-G-T. GRCh37 (hg19) VCF-style: chr13-32903591-G-T.
Other names: 871G>T; short protein forms E215*.
Identifiers: ClinVar variation 266948 (VCV000266948.8), dbSNP rs774539540, ClinGen allele CA10589039.